The following is an entry in ClinVar:

NM_006045.3(ATP9A):c.465C>A (p.Ile155=)

Gene: ATP9A (ATPase phospholipid transporting 9A; minus strand). Cytogenetic location: 20q13.2.
Variant type: single nucleotide variant.
Coding change: c.465C>A on transcript NM_006045.3 (MANE Select); coding-DNA position 465, C replaced by A.
Protein change: p.Ile155=; no amino-acid change (isoleucine 155 retained).
Molecular consequence: synonymous variant.
Genome position (GRCh38, 1-based): chr20:51,697,454, G>T on the plus strand (C>A on the coding strand, the complement: ATP9A is on the minus strand). VCF-style: chr20-51697454-G-T. GRCh37 (hg19) VCF-style: chr20-50313993-G-T.
Identifiers: ClinVar variation 2652410 (VCV002652410.24), dbSNP rs139983147, ClinGen allele CA9911761.

ClinVar aggregate classification (germline): Likely benign (1 of 4 stars; one submission).

Allele frequency attached by ClinVar (database versions not stated): 1000 Genomes Project 30x 0.00109; 1000 Genomes Project 0.00120; TOPMed 0.00352; ESP Exome Variant Server 0.00354; ExAC 0.00356; gnomAD exomes 0.00411; gnomAD 0.00421.
gnomAD v4.1: 6,597 of 1,613,522 alleles (0.41%); highest among the groups gnomAD compares: Non-Finnish European, 0.45%; 22 homozygotes.

Submission:

CeGaT Center for Human Genetics Tuebingen
Classification: Likely benign. Last evaluated: 2026-08-01. Review status: criteria provided, single submitter. Criteria: CeGaT Center For Human Genetics Tuebingen Variant Classification Criteria Version 2. Collection method: clinical testing. Allele origin: germline. Affected: yes. Observed: 16 variant alleles.
Comment: ATP9A: BP4, BP7, BS2